The following is an entry in ClinVar:

ClinVar aggregate classification (germline): Benign (1 of 4 stars; one submission).

Conditions:
Lynch syndrome 4 (LYNCH4). Also called: Colorectal cancer, hereditary nonpolyposis, type 4; Hereditary non-polyposis colorectal cancer, type 4. Identifiers: Orphanet 144, MedGen C1838333, MONDO:0013699, OMIM 614337. Disease mechanism: loss of function.

gnomAD v4.1: 1 of 1,614,170 alleles (0.000062%); highest among the groups gnomAD compares: Non-Finnish European, 0.000085%; no homozygotes.

Submission:

Myriad Genetics, Inc.
Classification: Benign for Lynch syndrome 4. Last evaluated: 2025-01-31. Review status: criteria provided, single submitter. Criteria: Myriad Autosomal Dominant, Autosomal Recessive and X-Linked Classification Criteria (2023). Collection method: clinical testing. Allele origin: unknown.
Comment: This variant is considered benign. This variant is a silent/synonymous amino acid change and it is not expected to impact splicing.

NM_000535.7(PMS2):c.1872T>C (p.Ser624=)

Gene: PMS2 (PMS1 homolog 2, mismatch repair system component; minus strand). Cytogenetic location: 7p22.1.
Variant type: single nucleotide variant.
Coding change: c.1872T>C on transcript NM_000535.7 (MANE Select); coding-DNA position 1872, T replaced by C.
Protein change: p.Ser624=; no amino-acid change (serine 624 retained).
Molecular consequence: synonymous variant. On other transcripts: non-coding transcript variant (1), intron variant (1).
Genome position (GRCh38, 1-based): chr7:5,986,893, A>G on the plus strand (T>C on the coding strand, the complement: PMS2 is on the minus strand). VCF-style: chr7-5986893-A-G. GRCh37 (hg19) VCF-style: chr7-6026524-A-G.
Other names: c.1467T>C, p.Ser489= (NM_001322003.2, NM_001322004.2, NM_001322005.2 and 16 more transcripts); c.1716T>C, p.Ser572= (NM_001322006.2, NM_001406870.1); c.1554T>C, p.Ser518= (NM_001322007.2, NM_001322008.2, NM_001406876.1 and 2 more transcripts); c.1311T>C, p.Ser437= (NM_001322010.2, NM_001406906.1, NM_001406907.1); c.939T>C, p.Ser313= (NM_001322011.2, NM_001322012.2); c.1299T>C, p.Ser433= (NM_001322013.2, NM_001406909.1); c.1872T>C, p.Ser624= (NM_001322014.2, NM_001406871.1, NM_001406872.1); c.1563T>C, p.Ser521= (NM_001322015.2, NM_001406875.1, NM_001406877.1 and 5 more transcripts); and 13 more.
Identifiers: ClinVar variation 3904220 (VCV003904220.1).